The following is an entry in ClinVar:

NM_001379500.1(COL18A1):c.106G>C (p.Glu36Gln)

Genes: BNAT1 (breast cancer associated ESR1 regulating natural antisense transcript 1; minus strand), COL18A1 (collagen type XVIII alpha 1 chain; plus strand). Cytogenetic location: 21q22.3.
Variant type: single nucleotide variant.
Coding change: c.106G>C on transcript NM_001379500.1 (MANE Select); coding-DNA position 106, G replaced by C.
Protein change: p.Glu36Gln; replaces glutamic acid 36 with glutamine.
Molecular consequence: missense variant.
Genome position (GRCh38, 1-based): chr21:45,405,473, G>C. VCF-style: chr21-45405473-G-C. GRCh37 (hg19) VCF-style: chr21-46825388-G-C.
Other names: short protein forms E36Q.
Identifiers: ClinVar variation 1017735 (VCV001017735.4), dbSNP rs2033065945, ClinGen allele CA410620514.

ClinVar aggregate classification (germline): Uncertain significance (1 of 4 stars; one submission).

Allele frequency attached by ClinVar (database versions not stated): gnomAD exomes 0.00002.
gnomAD v4.1: 24 of 1,369,090 alleles (0.0018%); highest among the groups gnomAD compares: Non-Finnish European, 0.0023%; no homozygotes.

Submission:

Labcorp Genetics (formerly Invitae), Labcorp
Classification: Uncertain significance. Last evaluated: 2022-03-12. Review status: criteria provided, single submitter. Criteria: Invitae Variant Classification Sherloc (09022015). Collection method: clinical testing. Allele origin: germline.
Comment: This sequence change replaces glutamic acid, which is acidic and polar, with glutamine, which is neutral and polar, at codon 36 of the COL18A1 protein (p.Glu36Gln). This variant also falls at the last nucleotide of exon 2, which is part of the consensus splice site for this exon. This variant is not present in population databases (gnomAD no frequency). This variant has not been reported in the literature in individuals affected with COL18A1-related conditions. ClinVar contains an entry for this variant (Variation ID: 1017735). Variants that disrupt the consensus splice site are a relatively common cause of aberrant splicing (PMID: 17576681, 9536098). In summary, the available evidence is currently insufficient to determine the role of this variant in disease. Therefore, it has been classified as a Variant of Uncertain Significance.

Literature cited by the submitters: PubMed 17576681; PubMed 9536098.